The following is an entry in ClinVar:

NM_001164508.2(NEB):c.19796T>C (p.Val6599Ala)

Gene: NEB (nebulin; minus strand). Cytogenetic location: 2q23.3.
Variant type: single nucleotide variant.
Coding change: c.19796T>C on transcript NM_001164508.2 (MANE Select); coding-DNA position 19796, T replaced by C.
Protein change: p.Val6599Ala; replaces valine 6599 with alanine.
Molecular consequence: missense variant.
Genome position (GRCh38, 1-based): chr2:151,552,712, A>G on the plus strand (T>C on the coding strand, the complement: NEB is on the minus strand). VCF-style: chr2-151552712-A-G. GRCh37 (hg19) VCF-style: chr2-152409226-A-G.
Other names: c.19796T>C, p.Val6599Ala (NM_001164507.2, NM_001271208.2); c.14693T>C, p.Val4898Ala (NM_004543.5); short protein forms V4898A, V6599A.
Identifiers: ClinVar variation 1368864 (VCV001368864.7), dbSNP rs1238663844, ClinGen allele CA348787765.

ClinVar aggregate classification (germline): Uncertain significance (1 of 4 stars; one submission).

Conditions:
Nemaline myopathy 2 (NEM2). Also called: Nemaline myopathy 2, autosomal recessive. Identifiers: MedGen C1850569, MONDO:0009725, OMIM 256030.

Allele frequency attached by ClinVar (database versions not stated): gnomAD exomes below 0.00001; TOPMed below 0.00001; gnomAD 0.00001.
gnomAD v4.1: 2 of 1,613,270 alleles (0.00012%); highest among the groups gnomAD compares: South Asian, 0.0011%; no homozygotes.

Submission:

Labcorp Genetics (formerly Invitae), Labcorp
Classification: Uncertain significance for Nemaline myopathy 2. Last evaluated: 2021-04-18. Review status: criteria provided, single submitter. Criteria: Invitae Variant Classification Sherloc (09022015). Collection method: clinical testing. Allele origin: germline.
Comment: Algorithms developed to predict the effect of missense changes on protein structure and function are either unavailable or do not agree on the potential impact of this missense change (SIFT: "Deleterious"; PolyPhen-2: "Not Available"; Align-GVGD: "Class C0"). This sequence change replaces valine with alanine at codon 6599 of the NEB protein (p.Val6599Ala). The valine residue is moderately conserved and there is a small physicochemical difference between valine and alanine. This variant is not present in population databases (ExAC no frequency). This variant has not been reported in the literature in individuals with NEB-related conditions. In summary, the available evidence is currently insufficient to determine the role of this variant in disease. Therefore, it has been classified as a Variant of Uncertain Significance.